The following is an entry in ClinVar:

NM_024408.4(NOTCH2):c.7069A>G (p.Met2357Val)

Gene: NOTCH2 (notch receptor 2; minus strand). Cytogenetic location: 1p12.
Variant type: single nucleotide variant.
Coding change: c.7069A>G on transcript NM_024408.4 (MANE Select); coding-DNA position 7069, A replaced by G.
Protein change: p.Met2357Val; replaces methionine 2357 with valine.
Molecular consequence: missense variant.
Genome position (GRCh38, 1-based): chr1:119,915,653, T>C on the plus strand (A>G on the coding strand, the complement: NOTCH2 is on the minus strand). VCF-style: chr1-119915653-T-C. GRCh37 (hg19) VCF-style: chr1-120458276-T-C.
Other names: short protein forms M2357V.
Identifiers: ClinVar variation 2118959 (VCV002118959.4), dbSNP rs1378776407, ClinGen allele CA341873756.

ClinVar aggregate classification (germline): Uncertain significance (1 of 4 stars; one submission).

Conditions:
Hajdu-Cheney syndrome (HJCYS). Also called: ACROOSTEOLYSIS WITH OSTEOPOROSIS AND CHANGES IN SKULL AND MANDIBLE; SERPENTINE FIBULA-POLYCYSTIC KIDNEY SYNDROME; Acroosteolysis dominant type. Identifiers: Orphanet 955, MedGen C0917715, MONDO:0007057, OMIM 102500.

Allele frequency attached by ClinVar (database versions not stated): gnomAD exomes below 0.00001.
gnomAD v4.1: 1 of 1,614,002 alleles (0.000062%); highest among the groups gnomAD compares: East Asian, 0.0022%; no homozygotes.

Submission:

Labcorp Genetics (formerly Invitae), Labcorp
Classification: Uncertain significance for Hajdu-Cheney syndrome. Last evaluated: 2023-07-10. Review status: criteria provided, single submitter. Criteria: Invitae Variant Classification Sherloc (09022015). Collection method: clinical testing. Allele origin: germline.
Comment: ClinVar contains an entry for this variant (Variation ID: 2118959). Advanced modeling of protein sequence and biophysical properties (such as structural, functional, and spatial information, amino acid conservation, physicochemical variation, residue mobility, and thermodynamic stability) performed at Invitae indicates that this missense variant is not expected to disrupt NOTCH2 protein function. In summary, the available evidence is currently insufficient to determine the role of this variant in disease. Therefore, it has been classified as a Variant of Uncertain Significance. This variant has not been reported in the literature in individuals affected with NOTCH2-related conditions. This sequence change replaces methionine, which is neutral and non-polar, with valine, which is neutral and non-polar, at codon 2357 of the NOTCH2 protein (p.Met2357Val). This variant is present in population databases (no rsID available, gnomAD 0.006%).